The following is an entry in ClinVar:

NM_005144.5(HR):c.2862T>A (p.Ala954=)

Gene: HR (HR lysine demethylase and nuclear receptor corepressor; minus strand). Cytogenetic location: 8p21.3.
Variant type: single nucleotide variant.
Coding change: c.2862T>A on transcript NM_005144.5 (MANE Select); coding-DNA position 2862, T replaced by A.
Protein change: p.Ala954=; no amino-acid change (alanine 954 retained).
Molecular consequence: synonymous variant.
Genome position (GRCh38, 1-based): chr8:22,119,875, A>T on the plus strand (T>A on the coding strand, the complement: HR is on the minus strand). VCF-style: chr8-22119875-A-T. GRCh37 (hg19) VCF-style: chr8-21977388-A-T.
Other names: c.2862T>A, p.Ala954= (NM_018411.4).
Identifiers: ClinVar variation 362485 (VCV000362485.10), dbSNP rs148407688, ClinGen allele CA4661976.

ClinVar aggregate classification (germline): Benign/Likely benign. Review status: criteria provided, multiple submitters, no conflicts (2 of 4 stars). 4 submissions from 3 submitters: Benign (1); Likely benign (3). Last evaluated 2025-02-20.

Conditions:
Atrichia with papular lesions (APL). Also called: PAPULAR ATRICHIA. Identifiers: Orphanet 86819, MedGen C1859592, MONDO:0008847, OMIM 209500.
Alopecia universalis congenita (ALUNC). Also called: ATRICHIA, GENERALIZED. Identifiers: Orphanet 701, MedGen C1859877, MONDO:0008757, OMIM 203655.

Allele frequency attached by ClinVar (database versions not stated): gnomAD exomes 0.00023 and 0.00053; ExAC 0.00065; 1000 Genomes Project 0.00160; TOPMed 0.00198; ESP Exome Variant Server 0.00208; gnomAD 0.00209 and 0.00225; 1000 Genomes Project 30x 0.00219.

Submissions (4):

Labcorp Genetics (formerly Invitae), Labcorp
Classification: Benign. Last evaluated: 2025-02-20. Review status: criteria provided, single submitter. Criteria: Invitae Variant Classification Sherloc (09022015). Collection method: clinical testing. Allele origin: germline.

Illumina Laboratory Services, Illumina
Classification: Likely benign for Alopecia universalis congenita. Last evaluated: 2018-01-13. Review status: criteria provided, single submitter. Criteria: ICSL Variant Classification Criteria 13 December 2019. Collection method: clinical testing. Allele origin: germline.
Comment: This variant was observed in the ICSL laboratory as part of a predisposition screen in an ostensibly healthy population. It had not been previously curated by ICSL or reported in the Human Gene Mutation Database (HGMD: prior to June 1st, 2018), and was therefore a candidate for classification through an automated scoring system. Utilizing variant allele frequency, disease prevalence and penetrance estimates, and inheritance mode, an automated score was calculated to assess if this variant is too frequent to cause the disease. Based on the score and internal cut-off values, a variant classified as likely benign is not then subjected to further curation. The score for this variant resulted in a classification of likely benign for this disease.

Illumina Laboratory Services, Illumina
Classification: Likely benign for Atrichia with papular lesions. Last evaluated: 2018-01-13. Review status: criteria provided, single submitter. Criteria: ICSL Variant Classification Criteria 13 December 2019. Collection method: clinical testing. Allele origin: germline.
Comment: the same text as in the submission from Illumina Laboratory Services, Illumina above.

Breakthrough Genomics
Classification: Likely benign. Review status: criteria provided, single submitter. Criteria: ACMG Guidelines, 2015. Collection method: not provided. Allele origin: germline. Inheritance: Autosomal recessive inheritance. Affected: yes.